The following is an entry in ClinVar:

NM_001370466.1(NOD2):c.1321C>T (p.Arg441Cys)

Gene: NOD2 (nucleotide binding oligomerization domain containing 2; plus strand). Cytogenetic location: 16q12.1.
Variant type: single nucleotide variant.
Coding change: c.1321C>T on transcript NM_001370466.1 (MANE Select); coding-DNA position 1321, C replaced by T.
Protein change: p.Arg441Cys; replaces arginine 441 with cysteine.
Molecular consequence: missense variant. On other transcripts: non-coding transcript variant (1).
Genome position (GRCh38, 1-based): chr16:50,711,313, C>T. VCF-style: chr16-50711313-C-T. GRCh37 (hg19) VCF-style: chr16-50745224-C-T.
Other names: c.1321C>T, p.Arg441Cys (NM_001293557.2); c.1402C>T, p.Arg468Cys (NM_022162.3); short protein forms R441C, R468C.
Identifiers: ClinVar variation 1163981 (VCV001163981.13), dbSNP rs769988393, ClinGen allele CA8051539.

ClinVar aggregate classification (germline): Uncertain significance. Review status: criteria provided, multiple submitters, no conflicts (2 of 4 stars). 4 submissions from 4 submitters: Uncertain significance (4). Last evaluated 2026-01-12.

Conditions:
Blau syndrome (BLAUS). Also called: ARTHROCUTANEOUVEAL GRANULOMATOSIS; GRANULOMATOSIS, FAMILIAL JUVENILE SYSTEMIC; GRANULOMATOSIS, FAMILIAL, BLAU TYPE; GRANULOMATOUS INFLAMMATORY ARTHRITIS, DERMATITIS, AND UVEITIS, FAMILIAL; JABS SYNDROME. Identifiers: Orphanet 90340, MedGen C5201146, MONDO:0008523, OMIM 186580.
Regional enteritis. Also called: Enteritis, Granulomatous. Identifiers: MedGen C0678202, MeSH D003424.

Allele frequency attached by ClinVar (database versions not stated): gnomAD 0.00002 and 0.00003; ExAC 0.00003; gnomAD exomes 0.00003; TOPMed 0.00003.
gnomAD v4.1: 57 of 1,613,524 alleles (0.0035%); highest among the groups gnomAD compares: South Asian, 0.016%; no homozygotes.

Submissions (4):

Women's Health and Genetics/Laboratory Corporation of America, LabCorp
Classification: Uncertain significance. Last evaluated: 2026-01-12. Review status: criteria provided, single submitter. Criteria: LabCorp Variant Classification Summary - May 2015. Collection method: clinical testing. Allele origin: germline.
Comment: Variant summary: NOD2 c.1402C>T (p.Arg468Cys) results in a non-conservative amino acid change in the encoded protein sequence. Algorithms developed to predict the effect of missense changes on protein structure and function all suggest that this variant is likely to be disruptive. The variant allele was found at a frequency of 2.8e-05 in 250136 control chromosomes. The available data on variant occurrences in the general population are insufficient to allow any conclusion about variant significance. To our knowledge, no occurrence of c.1402C>T in individuals affected with NOD2-related conditions and no experimental evidence demonstrating its impact on protein function have been reported. ClinVar contains an entry for this variant (Variation ID: 1163981). Based on the evidence outlined above, the variant was classified as uncertain significance.

Labcorp Genetics (formerly Invitae), Labcorp
Classification: Uncertain significance for Regional enteritis; Blau syndrome. Last evaluated: 2024-12-31. Review status: criteria provided, single submitter. Criteria: Invitae Variant Classification Sherloc (09022015). Collection method: clinical testing. Allele origin: germline.
Comment: This sequence change replaces arginine, which is basic and polar, with cysteine, which is neutral and slightly polar, at codon 468 of the NOD2 protein (p.Arg468Cys). This variant is present in population databases (rs769988393, gnomAD 0.02%). This variant has not been reported in the literature in individuals affected with NOD2-related conditions. ClinVar contains an entry for this variant (Variation ID: 1163981). Invitae Evidence Modeling of protein sequence and biophysical properties (such as structural, functional, and spatial information, amino acid conservation, physicochemical variation, residue mobility, and thermodynamic stability) indicates that this missense variant is not expected to disrupt NOD2 protein function with a negative predictive value of 95%. In summary, the available evidence is currently insufficient to determine the role of this variant in disease. Therefore, it has been classified as a Variant of Uncertain Significance.

ARUP Laboratories, Molecular Genetics and Genomics, ARUP Laboratories
Classification: Uncertain significance. Last evaluated: 2024-08-08. Review status: criteria provided, single submitter. Criteria: ARUP Molecular Germline Variant Investigation Process 2024. Collection method: clinical testing. Allele origin: germline.
Comment: The NOD2 c.1402C>T; p.Arg468Cys variant (rs769988393), to our knowledge, is not reported in the medical literature but is reported in ClinVar (Variation ID: 1163981). This variant is observed in the South Asian population with an allele frequency of 0.02% (7/30612 alleles) in the Genome Aggregation Database (v2.1.1). Computational analyses are uncertain whether this variant is neutral or deleterious (REVEL: 0.437). Due to limited information, the clinical significance of this variant is uncertain at this time.

Mayo Clinic Laboratories, Mayo Clinic
Classification: Uncertain significance. Last evaluated: 2019-09-03. Review status: criteria provided, single submitter. Criteria: ACMG Guidelines, 2015. Collection method: clinical testing. Allele origin: germline. Observed: 1 variant allele.